The following is an entry in ClinVar:

NM_001022.4(RPS19):c.280C>T (p.Arg94Ter)

Genes: RPS19 (ribosomal protein S19; plus strand), RPS19-CD79A (RPS19-CD79A readthrough; plus strand). Cytogenetic location: 19q13.2.
Variant type: single nucleotide variant.
Coding change: c.280C>T on transcript NM_001022.4 (MANE Select); coding-DNA position 280, C replaced by T.
Protein change: p.Arg94Ter; replaces arginine 94 with a stop codon.
Molecular consequence: nonsense. On other transcripts: missense variant (1).
Genome position (GRCh38, 1-based): chr19:41,869,138, C>T. VCF-style: chr19-41869138-C-T. GRCh37 (hg19) VCF-style: chr19-42373208-C-T.
Other names: c.280C>T, p.Arg94Ter (NM_001321483.2, NM_001321484.2); c.293C>T, p.Pro98Leu (NM_001321485.2); short protein forms R94*, P98L.
Identifiers: ClinVar variation 6313 (VCV000006313.15), dbSNP rs61762293, ClinGen allele CA130761.

ClinVar aggregate classification (germline): Pathogenic. Review status: criteria provided, multiple submitters, no conflicts (2 of 4 stars). 8 submissions from 8 submitters: Pathogenic (7). 1 of the submissions does not count toward it. Last evaluated 2025-12-22.

Conditions:
RPS19-related disorder. Also called: RPS19-related condition.
Diamond-Blackfan anemia 1 (DBA1). Also called: BLACKFAN-DIAMOND SYNDROME; ANEMIA, CONGENITAL HYPOPLASTIC, OF BLACKFAN AND DIAMOND; ANEMIA, CONGENITAL ERYTHROID HYPOPLASTIC; RED CELL APLASIA, PURE, HEREDITARY; AREGENERATIVE ANEMIA, CHRONIC CONGENITAL; ERYTHROGENESIS IMPERFECTA. Identifiers: Orphanet 124, MedGen C2676137, MONDO:0007110, OMIM 105650.
Diamond-Blackfan anemia. Also called: Aase syndrome; Blackfan Diamond syndrome; Aregenerative anemia chronic congenital; Red cell aplasia, pure hereditary; Congenital hypoplastic anemia. Identifiers: Orphanet 124, MedGen C1260899, MeSH D029503, MONDO:0015253, HP:0004810.

Submissions (8):

Labcorp Genetics (formerly Invitae), Labcorp
Classification: Pathogenic for Diamond-Blackfan anemia. Last evaluated: 2025-12-22. Review status: criteria provided, single submitter. Criteria: Invitae Variant Classification Sherloc (09022015). Collection method: clinical testing. Allele origin: germline.
Comment: This sequence change creates a premature translational stop signal (p.Arg94*) in the RPS19 gene. It is expected to result in an absent or disrupted protein product. Loss-of-function variants in RPS19 are known to be pathogenic (PMID: 20960466). This variant is not present in population databases (gnomAD no frequency). This premature translational stop signal has been observed in individual(s) with Diamond-Blackfan anemia and/or inherited bone marrow failure syndrome (PMID: 9988267, 18768533, 33718801). ClinVar contains an entry for this variant (Variation ID: 6313). For these reasons, this variant has been classified as Pathogenic.

Genomic Medicine Center of Excellence, King Faisal Specialist Hospital and Research Centre
Classification: Pathogenic for Diamond-Blackfan anemia 1. Last evaluated: 2024-04-04. Review status: criteria provided, single submitter. Criteria: ACMG Guidelines, 2015. Collection method: clinical testing. Allele origin: germline.

GeneDx
Classification: Pathogenic. Last evaluated: 2020-09-01. Review status: criteria provided, single submitter. Criteria: GeneDx Variant Classification Process June 2021. Collection method: clinical testing. Allele origin: germline. Affected: yes.
Comment: Nonsense variant predicted to result in protein truncation or nonsense mediated decay in a gene for which loss-of-function is a known mechanism of disease; Published functional studies demonstrate a damaging effect (dramatically reduced levels of expression and abnormal subcellular protein localization) (Cretien et al., 2008); This variant is associated with the following publications: (PMID: 9988267, 18768533, 10598818, 25525159)

Revvity Omics, Revvity
Classification: Pathogenic for Diamond-Blackfan anemia 1. Last evaluated: 2020-08-31. Review status: criteria provided, single submitter. Criteria: ACMG Guidelines, 2015. Collection method: clinical testing. Allele origin: germline.

Blueprint Genetics
Classification: Pathogenic for RPS19-related disorders. Last evaluated: 2019-05-16. Review status: criteria provided, single submitter. Criteria: ACMG Guidelines, 2015. Collection method: clinical testing. Allele origin: germline. Affected: yes. Observed: 1 variant allele.

Ambry Genetics
Classification: Pathogenic for Diamond-Blackfan anemia. Last evaluated: 2014-12-19. Review status: criteria provided, single submitter. Criteria: Ambry Variant Classification Scheme 2023. Collection method: clinical testing. Allele origin: germline.
Comment: The p.R94* pathogenic mutation (also known as c.280C>T), located in coding exon 3 of the RPS19 gene, results from a C to T substitution at nucleotide position 280. This changes the amino acid from an arginine to a stop codon within coding exon 3. This pathogenic mutation was first reported in two sisters with Diamond Blackfan anemia, as well as their unaffected mother; one sister had thumb malformations and a duplicated ureter and the other sister had congenital glaucoma, while the mother hand normal hemoglobin levels and no apparent malformations (Draptchinskaia N et al. Nat Genet. 1999; 21(2):169-75). An in vitro functional study found that cells with this pathogenic mutation resulted in a dramatic reduction of expression and a failure of nucleolar localization of the RPS19 protein (Cr&eacute;tien A et al. Haematologica. 2008; 93(11):1627-34). In addition to the clinical data presented in the literature, since premature stop codons are typically deleterious in nature, this alteration is interpreted as a disease-causing mutation (ACMG Recommendations for Standards for Interpretation and Reporting of Sequence Variations. Revision 2007. Genet Med. 2008;10:294).

Juno Genomics, Hangzhou Juno Genomics, Inc
Classification: Pathogenic for Diamond-Blackfan anemia 1. Review status: criteria provided, single submitter. Criteria: ACMG Guidelines, 2015. Collection method: clinical testing. Allele origin: germline. Affected: yes.
Comment: Absent from controls (or at extremely low frequency if recessive) in Genome Aggregation Database, Exome Sequencing Project, 1000 Genomes Project, or Exome Aggregation Consortium.;Null variant in a gene where loss of function (LOF) is a known mechanism of disease.;De novo (both maternity and paternity confirmed) in a patient with the disease and no family history.;The prevalence of the variant in affected individuals is significantly increased compared to the prevalence in controls.;Patient's phenotype or family history is highly specific for a disease with a single genetic etiology.

OMIM
Classification: Pathogenic for DIAMOND-BLACKFAN ANEMIA 1. Last evaluated: 1999-02-01. Review status: no assertion criteria provided. Collection method: literature only. Allele origin: germline. Not counted in ClinVar's aggregate classification.

Literature cited by the submitters: PubMed 20960466 (cited by Labcorp Genetics (formerly Invitae), Labcorp); PubMed 9988267 (cited by 3 submitters); PubMed 18768533 (cited by Labcorp Genetics (formerly Invitae), Labcorp and Ambry Genetics); PubMed 33718801 (cited by Labcorp Genetics (formerly Invitae), Labcorp).